The following is an entry in ClinVar:

NM_000051.4(ATM):c.3186T>G (p.Asn1062Lys)

Gene: ATM (ATM serine/threonine kinase; plus strand). Cytogenetic location: 11q22.3.
Variant type: single nucleotide variant.
Coding change: c.3186T>G on transcript NM_000051.4 (MANE Select); coding-DNA position 3186, T replaced by G.
Protein change: p.Asn1062Lys; replaces asparagine 1062 with lysine.
Molecular consequence: missense variant.
Genome position (GRCh38, 1-based): chr11:108,272,754, T>G. VCF-style: chr11-108272754-T-G. GRCh37 (hg19) VCF-style: chr11-108143481-T-G.
Other names: c.3186T>G, p.Asn1062Lys (NM_001351834.2); short protein forms N1062K.
Identifiers: ClinVar variation 1728600 (VCV001728600.5), dbSNP rs765286461, ClinGen allele CA6265221.

ClinVar aggregate classification (germline): Uncertain significance. Review status: criteria provided, multiple submitters, no conflicts (2 of 4 stars). 2 submissions from 2 submitters: Uncertain significance (2). Last evaluated 2024-06-25.

Conditions:
Ataxia-telangiectasia syndrome (AT). Also called: LOUIS-BAR SYNDROME; Cerebello-oculocutaneous telangiectasia; Immunodeficiency with ataxia telangiectasia; Ataxia-telangiectasia, complementation group D; AT, COMPLEMENTATION GROUP C; ATAXIA-TELANGIECTASIA, COMPLEMENTATION GROUP A. Identifiers: Orphanet 100, MedGen C0004135, MONDO:0008840, OMIM 208900.
Hereditary cancer-predisposing syndrome. Also called: Neoplastic Syndromes, Hereditary; Tumor predisposition; Hereditary Cancer Syndrome; Hereditary neoplastic syndrome. Identifiers: Orphanet 140162, MedGen C0027672, MeSH D009386, MONDO:0015356.

Allele frequency attached by ClinVar (database versions not stated): ExAC 0.00001.
gnomAD v4.1: 1 of 1,614,076 alleles (0.000062%); highest among the groups gnomAD compares: South Asian, 0.0011%; no homozygotes.

Submissions (2):

Labcorp Genetics (formerly Invitae), Labcorp
Classification: Uncertain significance for Ataxia-telangiectasia syndrome. Last evaluated: 2024-06-25. Review status: criteria provided, single submitter. Criteria: Invitae Variant Classification Sherloc (09022015). Collection method: clinical testing. Allele origin: germline.
Comment: This sequence change replaces asparagine, which is neutral and polar, with lysine, which is basic and polar, at codon 1062 of the ATM protein (p.Asn1062Lys). This variant is present in population databases (rs765286461, gnomAD 0.003%). This variant has not been reported in the literature in individuals affected with ATM-related conditions. ClinVar contains an entry for this variant (Variation ID: 1728600). An algorithm developed to predict the effect of missense changes on protein structure and function (PolyPhen-2) suggests that this variant is likely to be tolerated. In summary, the available evidence is currently insufficient to determine the role of this variant in disease. Therefore, it has been classified as a Variant of Uncertain Significance.

Ambry Genetics
Classification: Uncertain significance for Hereditary cancer-predisposing syndrome. Last evaluated: 2020-08-05. Review status: criteria provided, single submitter. Criteria: Ambry Variant Classification Scheme 2023. Collection method: clinical testing. Allele origin: germline.
Comment: The p.N1062K variant (also known as c.3186T>G), located in coding exon 21 of the ATM gene, results from a T to G substitution at nucleotide position 3186. The asparagine at codon 1062 is replaced by lysine, an amino acid with similar properties. This amino acid position is not well conserved in available vertebrate species. In addition, this alteration is predicted to be tolerated by in silico analysis. Since supporting evidence is limited at this time, the clinical significance of this alteration remains unclear.